The following is an entry in ClinVar:

NM_017636.4(TRPM4):c.2058C>A (p.Ser686Arg)

Gene: TRPM4 (transient receptor potential cation channel subfamily M member 4; plus strand). Cytogenetic location: 19q13.33.
Variant type: single nucleotide variant.
Coding change: c.2058C>A on transcript NM_017636.4 (MANE Select); coding-DNA position 2058, C replaced by A.
Protein change: p.Ser686Arg; replaces serine 686 with arginine.
Molecular consequence: missense variant.
Genome position (GRCh38, 1-based): chr19:49,190,246, C>A. VCF-style: chr19-49190246-C-A. GRCh37 (hg19) VCF-style: chr19-49693503-C-A.
Other names: c.2058C>A (NM_017636.3); c.2058C>A, p.Ser686Arg (NM_001195227.2); c.1713C>A, p.Ser571Arg (NM_001321281.2); c.450C>A, p.Ser150Arg (NM_001321282.2); c.1536C>A, p.Ser512Arg (NM_001321283.2); c.996C>A, p.Ser332Arg (NM_001321285.2); short protein forms S512R, S571R, S686R, S150R, S332R.
Identifiers: ClinVar variation 2968786 (VCV002968786.5), dbSNP rs1402986239, ClinGen allele CA406805144.

ClinVar aggregate classification (germline): Uncertain significance. Review status: criteria provided, multiple submitters, no conflicts (2 of 4 stars). 3 submissions from 3 submitters: Uncertain significance (3). Last evaluated 2026-04-08.

Conditions:
Progressive familial heart block type IB (PFHB1B). Identifiers: Orphanet 871, MedGen C1970298, MONDO:0011474, OMIM 604559.
Cardiovascular phenotype. Identifiers: MedGen CN230736.

Allele frequency attached by ClinVar (database versions not stated): TOPMed below 0.00001.
gnomAD v4.1: 1 of 1,614,180 alleles (0.000062%); highest among the groups gnomAD compares: Non-Finnish European, 0.000085%; no homozygotes.

Submissions (3):

GeneDx
Classification: Uncertain significance. Last evaluated: 2026-04-08. Review status: criteria provided, single submitter. Criteria: GeneDx Variant Classification Process June 2021. Collection method: clinical testing. Allele origin: germline.
Comment: Not observed at significant frequency in large population cohorts (gnomAD); In silico analysis suggests that this missense variant does not alter protein structure/function; Has not been previously published as pathogenic or benign to our knowledge

Ambry Genetics
Classification: Uncertain significance for Cardiovascular phenotype. Last evaluated: 2023-11-21. Review status: criteria provided, single submitter. Criteria: Ambry Variant Classification Scheme 2023. Collection method: clinical testing. Allele origin: germline.
Comment: The p.S686R variant (also known as c.2058C>A), located in coding exon 15 of the TRPM4 gene, results from a C to A substitution at nucleotide position 2058. The serine at codon 686 is replaced by arginine, an amino acid with dissimilar properties. This amino acid position is conserved. In addition, this alteration is predicted to be tolerated by in silico analysis. Since supporting evidence is limited at this time, the clinical significance of this alteration remains unclear.

Labcorp Genetics (formerly Invitae), Labcorp
Classification: Uncertain significance for Progressive familial heart block type IB. Last evaluated: 2023-10-06. Review status: criteria provided, single submitter. Criteria: Invitae Variant Classification Sherloc (09022015). Collection method: clinical testing. Allele origin: germline.
Comment: This sequence change replaces serine, which is neutral and polar, with arginine, which is basic and polar, at codon 686 of the TRPM4 protein (p.Ser686Arg). This variant is not present in population databases (gnomAD no frequency). This variant has not been reported in the literature in individuals affected with TRPM4-related conditions. An algorithm developed to predict the effect of missense changes on protein structure and function (PolyPhen-2) suggests that this variant is likely to be tolerated. In summary, the available evidence is currently insufficient to determine the role of this variant in disease. Therefore, it has been classified as a Variant of Uncertain Significance.